The following is an entry in ClinVar:

NM_001134831.2(AHI1):c.2348C>G (p.Ser783Ter)

Gene: AHI1 (Abelson helper integration site 1; minus strand). Cytogenetic location: 6q23.3.
Variant type: single nucleotide variant.
Coding change: c.2348C>G on transcript NM_001134831.2 (MANE Select); coding-DNA position 2348, C replaced by G.
Protein change: p.Ser783Ter; replaces serine 783 with a stop codon.
Molecular consequence: nonsense.
Genome position (GRCh38, 1-based): chr6:135,431,233, G>C on the plus strand (C>G on the coding strand, the complement: AHI1 is on the minus strand). VCF-style: chr6-135431233-G-C. GRCh37 (hg19) VCF-style: chr6-135752371-G-C.
Other names: c.2348C>G, p.Ser783Ter (NM_001134830.2, NM_001134832.2, NM_001350503.2 and 2 more transcripts); short protein forms S783*.
Identifiers: ClinVar variation 5012986 (VCV005012986.1).
Genomic context (GRCh38, chr6:135,431,233, plus strand): 5'-AATTAAATCCCAAAATATAAAATATGATTTTATACCTTATTTATAGTCCAGTGGTGCACT[G>C]AATGTTCCAAATCATTAATCTTGACATAGGTATTCCAAACAACAATCACCCCTGTACAAT-3'

ClinVar aggregate classification (germline): Pathogenic (1 of 4 stars; one submission).

Conditions:
Joubert syndrome 3 (JBTS3). Also called: AHI1-related Ciliopathy. Identifiers: Orphanet 220493, MedGen C1837713, MONDO:0012078, OMIM 608629.

Submission:

Myriad Genetics, Inc.
Classification: Pathogenic for Joubert syndrome 3. Last evaluated: 2024-05-01. Review status: criteria provided, single submitter. Criteria: Myriad Autosomal Dominant, Autosomal Recessive and X-Linked Classification Criteria (2023). Collection method: clinical testing. Allele origin: unknown.
Comment: NM_001134831.1(AHI1):c.2348C>G(S783*) is expected to be pathogenic in the context of Joubert syndrome, AHI1-related. This variant is predicted to lead to an abnormal or absent protein product due to the creation of a premature termination codon in AHI1, a gene where loss-of-function variants are known to be pathogenic. Please note: this variant was assessed in the context of healthy population screening.